The following is an entry in ClinVar:

NM_001286.5(CLCN6):c.1157C>T (p.Thr386Ile)

Gene: CLCN6 (chloride voltage-gated channel 6; plus strand). Cytogenetic location: 1p36.22.
Variant type: single nucleotide variant.
Coding change: c.1157C>T on transcript NM_001286.5 (MANE Select); coding-DNA position 1157, C replaced by T.
Protein change: p.Thr386Ile; replaces threonine 386 with isoleucine.
Molecular consequence: missense variant. On other transcripts: non-coding transcript variant (1).
Genome position (GRCh38, 1-based): chr1:11,829,231, C>T. VCF-style: chr1-11829231-C-T. GRCh37 (hg19) VCF-style: chr1-11889288-C-T.
Other names: c.1091C>T, p.Thr364Ile (NM_001256959.2); short protein forms T364I, T386I.
Identifiers: ClinVar variation 1491543 (VCV001491543.8), dbSNP rs2100644159, ClinGen allele CA338431143.
Genomic context (GRCh38, chr1:11,829,231, plus strand): 5'-GTAACAGCTGTGCTTTGCCTCCTAGAGTCTTAGAGAGCCTCCTTGTGTCTCTGGTAACCA[C>T]CGTGGTGGTGTTTGTGGCCTCGATGGTGTTAGGAGAATGCCGACAGATGTCCTCTTCGAG-3'
Protein context (NP_001277.2, residues 376-396): LESLLVSLVT[Thr386Ile]VVVFVASMVL

ClinVar aggregate classification (germline): Uncertain significance (1 of 4 stars; one submission).

Submission:

Labcorp Genetics (formerly Invitae), Labcorp
Classification: Uncertain significance. Last evaluated: 2021-07-17. Review status: criteria provided, single submitter. Criteria: Invitae Variant Classification Sherloc (09022015). Collection method: clinical testing. Allele origin: germline.
Comment: In summary, the available evidence is currently insufficient to determine the role of this variant in disease. Therefore, it has been classified as a Variant of Uncertain Significance. Algorithms developed to predict the effect of missense changes on protein structure and function are either unavailable or do not agree on the potential impact of this missense change (SIFT: "Deleterious"; PolyPhen-2: "Probably Damaging"; Align-GVGD: "Class C15"). This variant has not been reported in the literature in individuals affected with CLCN6-related conditions. This variant is not present in population databases (ExAC no frequency). This sequence change replaces threonine with isoleucine at codon 386 of the CLCN6 protein (p.Thr386Ile). The threonine residue is highly conserved and there is a moderate physicochemical difference between threonine and isoleucine.